The following is an entry in ClinVar:

NM_003579.4(RAD54L):c.767-2A>G

Gene: RAD54L (RAD54 like; plus strand). Cytogenetic location: 1p34.1.
Variant type: single nucleotide variant.
Coding change: c.767-2A>G on transcript NM_003579.4 (MANE Select); the canonical splice acceptor site of the intron before coding-DNA position 767, A replaced by G.
Molecular consequence: splice acceptor variant.
Genome position (GRCh38, 1-based): chr1:46,261,259, A>G. VCF-style: chr1-46261259-A-G. GRCh37 (hg19) VCF-style: chr1-46726931-A-G.
Other names: NC_000001.10:g.46726931A>G; c.767-2A>G (NM_001142548.2); c.227-2A>G (NM_001370766.1).
Identifiers: ClinVar variation 4441311 (VCV004441311.3).

ClinVar aggregate classification (germline): Uncertain significance (1 of 4 stars; one submission).

gnomAD v4.1: 84 of 1,604,318 alleles (0.0052%); highest among the groups gnomAD compares: Admixed American, 0.012%; no homozygotes.

Submissions (2):

Dasa
Classification: Uncertain significance. Last evaluated: 2026-01-21. Review status: criteria provided, single submitter. Criteria: DASA Assertion Criteria. Collection method: clinical testing. Allele origin: germline.
Comment: NM_003579.4(RAD54L):c.767-2A>G affects a canonical splice site and is predicted to disrupt normal RNA splicing. This variant is rare in population databases. The currently available literature and clinical evidence are not sufficient to establish a definitive association between this variant and the reported condition. Therefore, this variant is classified as a variant of uncertain significance.

Dr. Peter K. Rogan Lab, Western University
No classification provided (evidence only). Condition: Sarcoma. Review status: no classification provided. Collection method: in vitro. Allele origin: not applicable. Functional consequence: retained intron. Not counted in ClinVar's aggregate classification.